The following is an entry in ClinVar:

ClinVar aggregate classification (germline): Likely benign. Review status: criteria provided, single submitter (1 of 4 stars). 2 submissions from 2 submitters: Likely benign (1). 1 of the submissions does not count toward it. Last evaluated 2025-12-10.

Conditions:
DNAH9-related disorder. Also called: DNAH9-related condition.

Allele frequency attached by ClinVar (database versions not stated): TOPMed below 0.00001; gnomAD 0.00007; 1000 Genomes Project 0.00040; 1000 Genomes Project 30x 0.00031; gnomAD exomes 0.00014; ExAC 0.00036.
gnomAD v4.1: 222 of 1,611,254 alleles (0.014%); highest among the groups gnomAD compares: South Asian, 0.22%; 5 homozygotes.

Submissions (2):

Labcorp Genetics (formerly Invitae), Labcorp
Classification: Likely benign. Last evaluated: 2025-12-10. Review status: criteria provided, single submitter. Criteria: Invitae Variant Classification Sherloc (09022015). Collection method: clinical testing. Allele origin: germline.

PreventionGenetics, part of Exact Sciences
Classification: Likely benign for DNAH9-related condition. Last evaluated: 2022-05-06. Review status: no assertion criteria provided. Collection method: clinical testing. Allele origin: germline. Not counted in ClinVar's aggregate classification.
Comment: This variant is classified as likely benign based on ACMG/AMP sequence variant interpretation guidelines (Richards et al. 2015 PMID: 25741868, with internal and published modifications).

NM_001372.4(DNAH9):c.4031G>A (p.Arg1344Gln)

Gene: DNAH9 (dynein axonemal heavy chain 9; plus strand). Cytogenetic location: 17p12.
Variant type: single nucleotide variant.
Coding change: c.4031G>A on transcript NM_001372.4 (MANE Select); coding-DNA position 4031, G replaced by A.
Protein change: p.Arg1344Gln; replaces arginine 1344 with glutamine.
Molecular consequence: missense variant.
Genome position (GRCh38, 1-based): chr17:11,689,853, G>A. VCF-style: chr17-11689853-G-A. GRCh37 (hg19) VCF-style: chr17-11593170-G-A.
Other names: c.4031G>A (NM_001372.3); short protein forms R1344Q.
Identifiers: ClinVar variation 2890222 (VCV002890222.5), dbSNP rs542180871, ClinGen allele CA8395589.